The following is an entry in ClinVar:

ClinVar aggregate classification (germline): Pathogenic (1 of 4 stars; one submission).

gnomAD v4.1: 1 of 1,614,076 alleles (0.000062%); highest among the groups gnomAD compares: African/African-American, 0.0013%; no homozygotes.

Submission:

GeneDx
Classification: Pathogenic. Last evaluated: 2025-03-03. Review status: criteria provided, single submitter. Criteria: GeneDx Variant Classification Process June 2021. Collection method: clinical testing. Allele origin: germline. Affected: yes.
Comment: Nonsense variant predicted to result in protein truncation or nonsense mediated decay in a gene for which loss of function is a known mechanism of disease; Not observed at significant frequency in large population cohorts (gnomAD); Has not been previously published as pathogenic or benign to our knowledge

NM_001292034.3(TAB2):c.49C>T (p.Arg17Ter)

Gene: TAB2 (TGF-beta activated kinase 1 (MAP3K7) binding protein 2; plus strand). Cytogenetic location: 6q25.1.
Variant type: single nucleotide variant.
Coding change: c.49C>T on transcript NM_001292034.3 (MANE Select); coding-DNA position 49, C replaced by T.
Protein change: p.Arg17Ter; replaces arginine 17 with a stop codon.
Molecular consequence: nonsense. On other transcripts: intron variant (1).
Genome position (GRCh38, 1-based): chr6:149,370,046, C>T. VCF-style: chr6-149370046-C-T. GRCh37 (hg19) VCF-style: chr6-149691182-C-T.
Other names: c.49C>T, p.Arg17Ter (NM_001369506.1, NM_015093.6); c.7-7972C>T (NM_001292035.3); short protein forms R17*.
Identifiers: ClinVar variation 4082552 (VCV004082552.1).